The following is an entry in ClinVar:

NM_003640.5(ELP1):c.1355A>C (p.Lys452Thr)

Gene: ELP1 (elongator acetyltransferase complex subunit 1; minus strand). Cytogenetic location: 9q31.3.
Variant type: single nucleotide variant.
Coding change: c.1355A>C on transcript NM_003640.5 (MANE Select); coding-DNA position 1355, A replaced by C.
Protein change: p.Lys452Thr; replaces lysine 452 with threonine.
Molecular consequence: missense variant.
Genome position (GRCh38, 1-based): chr9:108,911,015, T>G on the plus strand (A>C on the coding strand, the complement: ELP1 is on the minus strand). VCF-style: chr9-108911015-T-G. GRCh37 (hg19) VCF-style: chr9-111673295-T-G.
Other names: c.1013A>C, p.Lys338Thr (NM_001318360.2); c.308A>C, p.Lys103Thr (NM_001330749.2); short protein forms K338T, K103T, K452T.
Identifiers: ClinVar variation 955899 (VCV000955899.11), dbSNP rs1829195961, ClinGen allele CA374428575.

ClinVar aggregate classification (germline): Uncertain significance (1 of 4 stars; one submission).

Conditions:
Familial dysautonomia. Also called: FD; HSAN III. Identifiers: Orphanet 1764, MedGen C0013364, MONDO:0009131, OMIM 223900. Disease mechanism: loss of function.

Submission:

Labcorp Genetics (formerly Invitae), Labcorp
Classification: Uncertain significance. Last evaluated: 2021-01-12. Review status: criteria provided, single submitter. Criteria: Invitae Variant Classification Sherloc (09022015). Collection method: clinical testing. Allele origin: germline.
Comment: This variant is not present in population databases (ExAC no frequency). This sequence change replaces lysine with threonine at codon 452 of the ELP1 protein (p.Lys452Thr). The lysine residue is weakly conserved and there is a moderate physicochemical difference between lysine and threonine. This variant has not been reported in the literature in individuals with ELP1-related conditions. In summary, the available evidence is currently insufficient to determine the role of this variant in disease. Therefore, it has been classified as a Variant of Uncertain Significance. Algorithms developed to predict the effect of missense changes on protein structure and function (SIFT, PolyPhen-2, Align-GVGD) all suggest that this variant is likely to be tolerated, but these predictions have not been confirmed by published functional studies and their clinical significance is uncertain.